The following is an entry in ClinVar:

NM_000389.5(CDKN1A):c.251G>A (p.Arg84Gln)

Gene: CDKN1A (cyclin dependent kinase inhibitor 1A; plus strand). Cytogenetic location: 6p21.2.
Variant type: single nucleotide variant.
Coding change: c.251G>A on transcript NM_000389.5 (MANE Select); coding-DNA position 251, G replaced by A.
Protein change: p.Arg84Gln; replaces arginine 84 with glutamine.
Molecular consequence: missense variant.
Genome position (GRCh38, 1-based): chr6:36,684,352, G>A. VCF-style: chr6-36684352-G-A. GRCh37 (hg19) VCF-style: chr6-36652129-G-A.
Other names: c.251G>A, p.Arg84Gln (NM_001220777.2, NM_001220778.2, NM_001374511.1 and 3 more transcripts); c.353G>A, p.Arg118Gln (NM_001291549.3, NM_001374509.1); c.290G>A, p.Arg97Gln (NM_001374510.1); short protein forms R97Q, R118Q, R84Q.
Identifiers: ClinVar variation 790317 (VCV000790317.34), dbSNP rs34916193, ClinGen allele CA3780371.

ClinVar aggregate classification (germline): Likely benign. Review status: criteria provided, multiple submitters, no conflicts (2 of 4 stars). 8 submissions from 8 submitters: Likely benign (4). 4 of the submissions do not count toward it. Last evaluated 2026-07-01.

Allele frequency attached by ClinVar (database versions not stated): 1000 Genomes Project 0.00160; 1000 Genomes Project 30x 0.00172; TOPMed 0.00220; gnomAD 0.00236 and 0.00245; gnomAD exomes 0.00246; ESP Exome Variant Server 0.00261; ExAC 0.00285.
gnomAD v4.1: 5,613 of 1,613,402 alleles (0.35%); highest among the groups gnomAD compares: Non-Finnish European, 0.42%; 25 homozygotes.

Submissions (8):

CeGaT Center for Human Genetics Tuebingen
Classification: Likely benign. Last evaluated: 2026-07-01. Review status: criteria provided, single submitter. Criteria: CeGaT Center For Human Genetics Tuebingen Variant Classification Criteria Version 2. Collection method: clinical testing. Allele origin: germline. Affected: yes. Observed: 27 variant alleles.
Comment: CDKN1A: BP4, BS2

Blueprint Genetics
Classification: Likely benign. Last evaluated: 2024-11-22. Review status: criteria provided, single submitter. Criteria: ACMG Guidelines, 2015. Collection method: clinical testing. Allele origin: germline.

Labcorp Genetics (formerly Invitae), Labcorp
Classification: Likely benign. Last evaluated: 2018-01-12. Review status: criteria provided, single submitter. Criteria: Invitae Variant Classification Sherloc (09022015). Collection method: clinical testing. Allele origin: germline.

Breakthrough Genomics
Classification: Likely benign. Review status: criteria provided, single submitter. Criteria: ACMG Guidelines, 2015. Collection method: not provided. Allele origin: germline. Inheritance: Unknown mechanism. Affected: yes.

Clinical Genetics DNA and cytogenetics Diagnostics Lab, Erasmus MC, Erasmus Medical Center
Classification: Likely benign. Review status: no assertion criteria provided. Collection method: clinical testing. Allele origin: germline. Affected: yes. Study: VKGL Data-share Consensus. Not counted in ClinVar's aggregate classification.

Diagnostic Laboratory, Department of Genetics, University Medical Center Groningen
Classification: Likely benign. Review status: no assertion criteria provided. Collection method: clinical testing. Allele origin: germline. Affected: yes. Study: VKGL Data-share Consensus. Not counted in ClinVar's aggregate classification.

Genome Diagnostics Laboratory, Amsterdam University Medical Center
Classification: Likely benign. Review status: no assertion criteria provided. Collection method: clinical testing. Allele origin: germline. Affected: yes. Study: VKGL Data-share Consensus. Not counted in ClinVar's aggregate classification.

Genome Diagnostics Laboratory, University Medical Center Utrecht
Classification: Benign. Review status: no assertion criteria provided. Collection method: clinical testing. Allele origin: germline. Affected: yes. Study: VKGL Data-share Consensus. Not counted in ClinVar's aggregate classification.